The following is an entry in ClinVar:

NM_007118.4(TRIO):c.8559C>T (p.Val2853=)

Gene: TRIO (trio Rho guanine nucleotide exchange factor; plus strand). Cytogenetic location: 5p15.2.
Variant type: single nucleotide variant.
Coding change: c.8559C>T on transcript NM_007118.4 (MANE Select); coding-DNA position 8559, C replaced by T.
Protein change: p.Val2853=; no amino-acid change (valine 2853 retained).
Molecular consequence: synonymous variant. On other transcripts: non-coding transcript variant (1).
Genome position (GRCh38, 1-based): chr5:14,504,540, C>T. VCF-style: chr5-14504540-C-T. GRCh37 (hg19) VCF-style: chr5-14504649-C-T.
Identifiers: ClinVar variation 2655359 (VCV002655359.24), dbSNP rs754497690, ClinGen allele CA3207907.

ClinVar aggregate classification (germline): Likely benign (1 of 4 stars; one submission).

Allele frequency attached by ClinVar (database versions not stated): gnomAD exomes 0.00001; TOPMed 0.00001; ExAC 0.00002; gnomAD 0.00003.
gnomAD v4.1: 13 of 1,614,006 alleles (0.00081%); highest among the groups gnomAD compares: Admixed American, 0.0083%; no homozygotes.

Submission:

CeGaT Center for Human Genetics Tuebingen
Classification: Likely benign. Last evaluated: 2022-07-01. Review status: criteria provided, single submitter. Criteria: CeGaT Center For Human Genetics Tuebingen Variant Classification Criteria Version 2. Collection method: clinical testing. Allele origin: germline. Affected: yes. Observed: 1 variant allele.
Comment: TRIO: BP4, BP7